The following is an entry in ClinVar:

ClinVar aggregate classification (germline): Likely benign. Review status: criteria provided, multiple submitters, no conflicts (2 of 4 stars). 2 submissions from 2 submitters: Likely benign (2). Last evaluated 2025-01-20.

Conditions:
RYR1-related disorder. Also called: RYR1-related disorders; RYR1-related condition. Identifiers: MedGen CN239331.
Malignant hyperthermia, susceptibility to, 1 (MHS1). Also called: Anesthesia related hyperthermia; Malignant hyperpyrexia; Fulminating hyperpyrexia; Pharmacogenic myopathy; RYR1-Related Malignant Hyperthermia Susceptibility; Malignant hyperthermia suceptibility 1. Identifiers: Orphanet 423, MedGen C2930980, MONDO:0007783, OMIM 145600.

Allele frequency attached by ClinVar (database versions not stated): gnomAD exomes below 0.00001; TOPMed 0.00001.
gnomAD v4.1: 3 of 1,613,660 alleles (0.00019%); highest among the groups gnomAD compares: South Asian, 0.0022%; no homozygotes.

Submissions (2):

Labcorp Genetics (formerly Invitae), Labcorp
Classification: Likely benign for RYR1-related disorder. Last evaluated: 2025-01-20. Review status: criteria provided, single submitter. Criteria: Invitae Variant Classification Sherloc (09022015). Collection method: clinical testing. Allele origin: germline.

All of Us Research Program, National Institutes of Health
Classification: Likely benign for Malignant hyperthermia, susceptibility to, 1. Last evaluated: 2023-04-03. Review status: criteria provided, single submitter. Criteria: ACMG Guidelines, 2015. Collection method: clinical testing. Allele origin: germline. Inheritance: Autosomal dominant inheritance. Observed: 2 variant alleles, 2 heterozygotes.
Comment: This study involves interpretation of variants in research participants for the purpose of population health screening. Participant phenotype was not available at the time of variant classification. Additional details can be found in publication PMID: 35346344, PMCID: PMC8962531

NM_000540.3(RYR1):c.5214G>A (p.Thr1738=)

Gene: RYR1 (ryanodine receptor 1; plus strand). Cytogenetic location: 19q13.2.
Variant type: single nucleotide variant.
Coding change: c.5214G>A on transcript NM_000540.3 (MANE Select); coding-DNA position 5214, G replaced by A.
Protein change: p.Thr1738=; no amino-acid change (threonine 1738 retained).
Molecular consequence: synonymous variant.
Genome position (GRCh38, 1-based): chr19:38,485,869, G>A. VCF-style: chr19-38485869-G-A. GRCh37 (hg19) VCF-style: chr19-38976509-G-A.
Other names: c.5214G>A, p.Thr1738= (NM_001042723.2).
Identifiers: ClinVar variation 2732152 (VCV002732152.4), dbSNP rs1175081117, ClinGen allele CA507353241.
Genomic context (GRCh38, chr19:38,485,869, plus strand): 5'-CCTCGAAAGTGCCTGCCGCAGCCGCCGCTCCATGCTCTCTGAATACATCGTGCCCCTCAC[G>A]CCTGAGACCCGCGCCATCACGCTCTTCCCTCCTGGAAGGAGCACAGAAAATGGTCACCCC-3'
Protein context (NP_000531.2, residues 1728-1748): SMLSEYIVPL[Thr1738=]PETRAITLFP